The following is an entry in ClinVar:

NM_004336.5(BUB1):c.712T>C (p.Cys238Arg)

Gene: BUB1 (BUB1 mitotic checkpoint serine/threonine kinase; minus strand). Cytogenetic location: 2q13.
Variant type: single nucleotide variant.
Coding change: c.712T>C on transcript NM_004336.5 (MANE Select); coding-DNA position 712, T replaced by C.
Protein change: p.Cys238Arg; replaces cysteine 238 with arginine.
Molecular consequence: missense variant.
Genome position (GRCh38, 1-based): chr2:110,667,614, A>G on the plus strand (T>C on the coding strand, the complement: BUB1 is on the minus strand). VCF-style: chr2-110667614-A-G. GRCh37 (hg19) VCF-style: chr2-111425191-A-G.
Other names: c.652T>C, p.Cys218Arg (NM_001278616.2); c.712T>C, p.Cys238Arg (NM_001278617.2); short protein forms C238R, C218R.
Identifiers: ClinVar variation 1757315 (VCV001757315.2), dbSNP rs2468028226, ClinGen allele CA348217749.

ClinVar aggregate classification (germline): Uncertain significance (1 of 4 stars; one submission).

Submission:

Ambry Genetics
Classification: Uncertain significance. Last evaluated: 2024-01-20. Review status: criteria provided, single submitter. Criteria: Ambry Variant Classification Scheme 2023. Collection method: clinical testing. Allele origin: germline.
Comment: The p.C238R variant (also known as c.712T>C), located in coding exon 8 of the BUB1 gene, results from a T to C substitution at nucleotide position 712. The cysteine at codon 238 is replaced by arginine, an amino acid with highly dissimilar properties. This amino acid position is conserved. In addition, the in silico prediction for this alteration is inconclusive. Since supporting evidence is limited at this time, the clinical significance of this alteration remains unclear.